The following is an entry in ClinVar:

NM_001184.4(ATR):c.4428G>C (p.Lys1476Asn)

Gene: ATR (ATR checkpoint kinase; minus strand). Cytogenetic location: 3q23.
Variant type: single nucleotide variant.
Coding change: c.4428G>C on transcript NM_001184.4 (MANE Select); coding-DNA position 4428, G replaced by C.
Protein change: p.Lys1476Asn; replaces lysine 1476 with asparagine.
Molecular consequence: missense variant.
Genome position (GRCh38, 1-based): chr3:142,515,470, C>G on the plus strand (G>C on the coding strand, the complement: ATR is on the minus strand). VCF-style: chr3-142515470-C-G. GRCh37 (hg19) VCF-style: chr3-142234312-C-G.
Other names: c.4236G>C, p.Lys1412Asn (NM_001354579.2); short protein forms K1476N, K1412N.
Identifiers: ClinVar variation 1740521 (VCV001740521.2), dbSNP rs2108380085, ClinGen allele CA354798396.

ClinVar aggregate classification (germline): Uncertain significance (1 of 4 stars; one submission).

Conditions:
Inborn genetic diseases. Identifiers: MedGen C0950123, MeSH D030342.

Submission:

Ambry Genetics
Classification: Uncertain significance for Inborn genetic diseases. Last evaluated: 2021-07-08. Review status: criteria provided, single submitter. Criteria: Ambry Variant Classification Scheme 2023. Collection method: clinical testing. Allele origin: germline.
Comment: The p.K1476N variant (also known as c.4428G>C), located in coding exon 25 of the ATR gene, results from a G to C substitution at nucleotide position 4428. The lysine at codon 1476 is replaced by asparagine, an amino acid with similar properties. This amino acid position is conserved. In addition, this alteration is predicted to be tolerated by in silico analysis. Since supporting evidence is limited at this time, the clinical significance of this alteration remains unclear.